The following is an entry in ClinVar:

NM_030665.4(RAI1):c.5615A>G (p.Lys1872Arg)

Gene: RAI1 (retinoic acid induced 1; plus strand). Cytogenetic location: 17p11.2.
Variant type: single nucleotide variant.
Coding change: c.5615A>G on transcript NM_030665.4 (MANE Select); coding-DNA position 5615, A replaced by G.
Protein change: p.Lys1872Arg; replaces lysine 1872 with arginine.
Molecular consequence: missense variant.
Genome position (GRCh38, 1-based): chr17:17,803,805, A>G. VCF-style: chr17-17803805-A-G. GRCh37 (hg19) VCF-style: chr17-17707119-A-G.
Other names: c.5615A>G (NM_030665.3); short protein forms K1872R.
Identifiers: ClinVar variation 1982462 (VCV001982462.6), dbSNP rs1221635825, ClinGen allele CA398559935.

ClinVar aggregate classification (germline): Uncertain significance. Review status: criteria provided, multiple submitters, no conflicts (2 of 4 stars). 2 submissions from 2 submitters: Uncertain significance (2). Last evaluated 2024-11-18.

Conditions:
Inborn genetic diseases. Identifiers: MedGen C0950123, MeSH D030342.

Allele frequency attached by ClinVar (database versions not stated): gnomAD exomes below 0.00001; gnomAD 0.00001; TOPMed 0.00001.
gnomAD v4.1: 2 of 1,613,472 alleles (0.00012%); highest among the groups gnomAD compares: Admixed American, 0.0017%; no homozygotes.

Submissions (2):

Labcorp Genetics (formerly Invitae), Labcorp
Classification: Uncertain significance. Last evaluated: 2024-11-18. Review status: criteria provided, single submitter. Criteria: Invitae Variant Classification Sherloc (09022015). Collection method: clinical testing. Allele origin: germline.
Comment: This sequence change replaces lysine, which is basic and polar, with arginine, which is basic and polar, at codon 1872 of the RAI1 protein (p.Lys1872Arg). This variant is not present in population databases (gnomAD no frequency). This variant has not been reported in the literature in individuals affected with RAI1-related conditions. ClinVar contains an entry for this variant (Variation ID: 1982462). Invitae Evidence Modeling of protein sequence and biophysical properties (such as structural, functional, and spatial information, amino acid conservation, physicochemical variation, residue mobility, and thermodynamic stability) indicates that this missense variant is not expected to disrupt RAI1 protein function with a negative predictive value of 80%. In summary, the available evidence is currently insufficient to determine the role of this variant in disease. Therefore, it has been classified as a Variant of Uncertain Significance.

Ambry Genetics
Classification: Uncertain significance for Inborn genetic diseases. Last evaluated: 2023-05-31. Review status: criteria provided, single submitter. Criteria: Ambry Variant Classification Scheme 2023. Collection method: clinical testing. Allele origin: germline.